The following is an entry in ClinVar:

ClinVar aggregate classification (germline): Uncertain significance. Review status: criteria provided, multiple submitters, no conflicts (2 of 4 stars). 2 submissions from 2 submitters: Uncertain significance (2). Last evaluated 2022-04-25.

Conditions:
Fanconi anemia (FA). Also called: Fanconi's anemia. Identifiers: Orphanet 84, MedGen C0015625, MeSH D005199, MONDO:0019391.
Spermatogenic failure 28. Identifiers: MedGen C4748117, MONDO:0054732, OMIM 618086.
Premature ovarian failure 15. Identifiers: MedGen C4748170, MONDO:0054862, OMIM 618096.

Allele frequency attached by ClinVar (database versions not stated): gnomAD exomes below 0.00001; TOPMed below 0.00001; ExAC 0.00001; gnomAD 0.00001; 1000 Genomes Project 30x 0.00016; 1000 Genomes Project 0.00020.
gnomAD v4.1: 1 of 1,614,200 alleles (0.000062%); highest among the groups gnomAD compares: East Asian, 0.0022%; no homozygotes.

Submissions (2):

Fulgent Genetics
Classification: Uncertain significance for Spermatogenic failure 28; Premature ovarian failure 15. Last evaluated: 2022-04-25. Review status: criteria provided, single submitter. Criteria: ACMG Guidelines, 2015. Collection method: clinical testing. Allele origin: unknown.

Labcorp Genetics (formerly Invitae), Labcorp
Classification: Uncertain significance for Fanconi anemia. Last evaluated: 2019-12-11. Review status: criteria provided, single submitter. Criteria: Invitae Variant Classification Sherloc (09022015). Collection method: clinical testing. Allele origin: germline.
Comment: This sequence change replaces proline with leucine at codon 133 of the FANCM protein (p.Pro133Leu). The proline residue is moderately conserved and there is a moderate physicochemical difference between proline and leucine. This variant is present in population databases (rs139382920, ExAC 0.01%). This variant has not been reported in the literature in individuals with FANCM-related conditions. Algorithms developed to predict the effect of missense changes on protein structure and function are either unavailable or do not agree on the potential impact of this missense change (SIFT: "Deleterious"; PolyPhen-2: "Possibly Damaging"; Align-GVGD: "Class C0"). In summary, the available evidence is currently insufficient to determine the role of this variant in disease. Therefore, it has been classified as a Variant of Uncertain Significance.

NM_020937.4(FANCM):c.398C>T (p.Pro133Leu)

Gene: FANCM (FA complementation group M; plus strand). Cytogenetic location: 14q21.2.
Variant type: single nucleotide variant.
Coding change: c.398C>T on transcript NM_020937.4 (MANE Select); coding-DNA position 398, C replaced by T.
Protein change: p.Pro133Leu; replaces proline 133 with leucine.
Molecular consequence: missense variant.
Genome position (GRCh38, 1-based): chr14:45,136,429, C>T. VCF-style: chr14-45136429-C-T. GRCh37 (hg19) VCF-style: chr14-45605632-C-T.
Other names: c.398C>T, p.Pro133Leu (NM_001308133.2, NM_001308134.2); short protein forms P133L.
Identifiers: ClinVar variation 857290 (VCV000857290.11), dbSNP rs139382920, ClinGen allele CA7168753.